The following is an entry in ClinVar:

NM_005902.4(SMAD3):c.597C>T (p.Ser199=)

Gene: SMAD3 (SMAD family member 3; plus strand). Cytogenetic location: 15q22.33.
Variant type: single nucleotide variant.
Coding change: c.597C>T on transcript NM_005902.4 (MANE Select); coding-DNA position 597, C replaced by T.
Protein change: p.Ser199=; no amino-acid change (serine 199 retained).
Molecular consequence: synonymous variant.
Genome position (GRCh38, 1-based): chr15:67,166,843, C>T. VCF-style: chr15-67166843-C-T. GRCh37 (hg19) VCF-style: chr15-67459181-C-T.
Other names: c.282C>T, p.Ser94= (NM_001145102.2); c.465C>T, p.Ser155= (NM_001145103.2); c.12C>T, p.Ser4= (NM_001145104.2).
Identifiers: ClinVar variation 1010026 (VCV001010026.47), dbSNP rs769225687, ClinGen allele CA062384.

ClinVar aggregate classification (germline): Likely benign. Review status: criteria provided, multiple submitters, no conflicts (2 of 4 stars). 6 submissions from 6 submitters: Likely benign (6). Last evaluated 2026-02-01.

Conditions:
Familial thoracic aortic aneurysm and aortic dissection (TAAD). Also called: Thoracic aortic aneurysms and dissections. Identifiers: Orphanet 91387, MedGen C4707243, MONDO:0019625.
Ehlers-Danlos syndrome (EDS). Identifiers: Orphanet 98249, MedGen C0013720, MONDO:0020066.

Allele frequency attached by ClinVar (database versions not stated): TOPMed below 0.00001; gnomAD exomes 0.00001; ExAC 0.00002.

Submissions (6):

Labcorp Genetics (formerly Invitae), Labcorp
Classification: Likely benign for Familial thoracic aortic aneurysm and aortic dissection. Last evaluated: 2026-02-01. Review status: criteria provided, single submitter. Criteria: Invitae Variant Classification Sherloc (09022015). Collection method: clinical testing. Allele origin: germline.

Color Diagnostics, LLC DBA Color Health
Classification: Likely benign for Familial thoracic aortic aneurysm and aortic dissection. Last evaluated: 2024-05-07. Review status: criteria provided, single submitter. Criteria: ACMG Guidelines, 2015. Collection method: clinical testing. Allele origin: germline.

CeGaT Center for Human Genetics Tuebingen
Classification: Likely benign. Last evaluated: 2022-08-01. Review status: criteria provided, single submitter. Criteria: CeGaT Center For Human Genetics Tuebingen Variant Classification Criteria Version 2. Collection method: clinical testing. Allele origin: germline. Affected: yes. Observed: 1 variant allele.
Comment: SMAD3: BP4

CHEO Genetics Diagnostic Laboratory, Children's Hospital of Eastern Ontario
Classification: Likely benign for Familial thoracic aortic aneurysm and aortic dissection. Last evaluated: 2021-04-16. Review status: criteria provided, single submitter. Criteria: ACMG Guidelines, 2015. Collection method: clinical testing. Allele origin: germline.

Genome Diagnostics Laboratory, The Hospital for Sick Children
Classification: Likely benign for Ehlers-Danlos syndrome. Last evaluated: 2021-01-04. Review status: criteria provided, single submitter. Criteria: ACMG Guidelines, 2015. Collection method: clinical testing. Allele origin: germline.

Ambry Genetics
Classification: Likely benign for Familial thoracic aortic aneurysm and aortic dissection. Last evaluated: 2019-06-17. Review status: criteria provided, single submitter. Criteria: Ambry Variant Classification Scheme 2023. Collection method: clinical testing. Allele origin: germline.